The following is an entry in ClinVar:

NM_006614.4(CHL1):c.385+9T>G

Gene: CHL1 (cell adhesion molecule L1 like; plus strand). Cytogenetic location: 3p26.3.
Variant type: single nucleotide variant.
Coding change: c.385+9T>G on transcript NM_006614.4 (MANE Select); 9 bases into the intron after coding-DNA position 385, T replaced by G.
Molecular consequence: intron variant.
Genome position (GRCh38, 1-based): chr3:328,363, T>G. VCF-style: chr3-328363-T-G. GRCh37 (hg19) VCF-style: chr3-370046-T-G.
Other names: c.385+9T>G (NM_001253387.2, NM_001253388.1).
Identifiers: ClinVar variation 708287 (VCV000708287.5), dbSNP rs780875423, ClinGen allele CA2224293.

ClinVar aggregate classification (germline): Likely benign. Review status: criteria provided, single submitter (1 of 4 stars). 2 submissions from 2 submitters: Likely benign (1). 1 of the submissions does not count toward it. Last evaluated 2017-09-09.

Conditions:
CHL1-related disorder. Also called: CHL1-related condition.

Allele frequency attached by ClinVar (database versions not stated): gnomAD exomes 0.00001 and 0.00002; TOPMed 0.00002; ExAC 0.00003.

Submissions (2):

Labcorp Genetics (formerly Invitae), Labcorp
Classification: Likely benign. Last evaluated: 2017-09-09. Review status: criteria provided, single submitter. Criteria: Invitae Variant Classification Sherloc (09022015). Collection method: clinical testing. Allele origin: germline.

PreventionGenetics, part of Exact Sciences
Classification: Likely benign for CHL1-related condition. Last evaluated: 2020-11-30. Review status: no assertion criteria provided. Collection method: clinical testing. Allele origin: germline. Not counted in ClinVar's aggregate classification.
Comment: This variant is classified as likely benign based on ACMG/AMP sequence variant interpretation guidelines (Richards et al. 2015 PMID: 25741868, with internal and published modifications).